The following is an entry in ClinVar:

ClinVar aggregate classification (germline): Uncertain significance (1 of 4 stars; one submission).

Conditions:
Inborn genetic diseases. Identifiers: MedGen C0950123, MeSH D030342.

Submission:

Ambry Genetics
Classification: Uncertain significance for Inborn genetic diseases. Last evaluated: 2021-11-16. Review status: criteria provided, single submitter. Criteria: Ambry Variant Classification Scheme 2023. Collection method: clinical testing. Allele origin: germline.
Comment: The p.A203V variant (also known as c.608C>T), located in coding exon 4 of the DST gene, results from a C to T substitution at nucleotide position 608. The alanine at codon 203 is replaced by valine, an amino acid with similar properties. This amino acid position is highly conserved in available vertebrate species. In addition, the in silico prediction for this alteration is inconclusive. Since supporting evidence is limited at this time, the clinical significance of this alteration remains unclear.

NM_001374736.1(DST):c.608C>T (p.Ala203Val)

Genes: DST-AS1 (DST antisense RNA 1; plus strand), DST (dystonin; minus strand). Cytogenetic location: 6p12.1.
Variant type: single nucleotide variant.
Coding change: c.608C>T on transcript NM_001374736.1 (MANE Select); coding-DNA position 608, C replaced by T.
Protein change: p.Ala203Val; replaces alanine 203 with valine.
Molecular consequence: missense variant.
Genome position (GRCh38, 1-based): chr6:56,851,414, G>A on the plus strand (C>T on the coding strand, the complement: DST is on the minus strand). VCF-style: chr6-56851414-G-A. GRCh37 (hg19) VCF-style: chr6-56716212-G-A.
Other names: c.608C>T, p.Ala203Val (NM_001144769.5, NM_001374722.1); c.194C>T, p.Ala65Val (NM_001144770.2); c.635C>T, p.Ala212Val (NM_001374734.1); short protein forms A65V, A203V, A212V.
Identifiers: ClinVar variation 1751496 (VCV001751496.2), dbSNP rs201871537, ClinGen allele CA364618740.